The following is an entry in ClinVar:

ClinVar aggregate classification (germline): Uncertain significance (1 of 4 stars; one submission).

Allele frequency attached by ClinVar (database versions not stated): gnomAD exomes below 0.00001; gnomAD 0.00001.
gnomAD v4.1: 3 of 1,613,942 alleles (0.00019%); highest among the groups gnomAD compares: Admixed American, 0.005%; no homozygotes.

Submission:

Labcorp Genetics (formerly Invitae), Labcorp
Classification: Uncertain significance. Last evaluated: 2020-07-30. Review status: criteria provided, single submitter. Criteria: Invitae Variant Classification Sherloc (09022015). Collection method: clinical testing. Allele origin: germline.
Comment: In summary, the available evidence is currently insufficient to determine the role of this variant in disease. Therefore, it has been classified as a Variant of Uncertain Significance. Algorithms developed to predict the effect of missense changes on protein structure and function output the following: SIFT: "Tolerated"; PolyPhen-2: "Benign"; Align-GVGD: "Class C15". The serine amino acid residue is found in multiple mammalian species, suggesting that this missense change does not adversely affect protein function. These predictions have not been confirmed by published functional studies and their clinical significance is uncertain. This variant has not been reported in the literature in individuals with VCAN-related conditions. This variant is not present in population databases (ExAC no frequency). This sequence change replaces proline with serine at codon 2350 of the VCAN protein (p.Pro2350Ser). The proline residue is moderately conserved and there is a moderate physicochemical difference between proline and serine.

NM_004385.5(VCAN):c.7048C>T (p.Pro2350Ser)

Genes: VCAN (versican; plus strand), VCAN-AS1 (VCAN antisense RNA 1; minus strand). Cytogenetic location: 5q14.3.
Variant type: single nucleotide variant.
Coding change: c.7048C>T on transcript NM_004385.5 (MANE Select); coding-DNA position 7048, C replaced by T.
Protein change: p.Pro2350Ser; replaces proline 2350 with serine.
Molecular consequence: missense variant. On other transcripts: intron variant (2).
Genome position (GRCh38, 1-based): chr5:83,540,051, C>T. VCF-style: chr5-83540051-C-T. GRCh37 (hg19) VCF-style: chr5-82835870-C-T.
Other names: c.4087C>T, p.Pro1363Ser (NM_001164097.2); c.4004-5486C>T (NM_001164098.2); c.1043-5486C>T (NM_001126336.3); short protein forms P2350S, P1363S.
Identifiers: ClinVar variation 1037075 (VCV001037075.8), dbSNP rs1385716182, ClinGen allele CA360313900.